The following is an entry in ClinVar:

ClinVar aggregate classification (germline): Conflicting classifications of pathogenicity. Review status: criteria provided, conflicting classifications (1 of 4 stars). 2 submissions from 2 submitters: Uncertain significance (1); Likely benign (1). Last evaluated 2025-07-09.

Conditions:
Hereditary nonpolyposis colorectal neoplasms. Identifiers: MedGen C0009405, MeSH D003123.
Hereditary cancer-predisposing syndrome. Also called: Tumor predisposition; Hereditary Cancer Syndrome; Hereditary neoplastic syndrome; Neoplastic Syndromes, Hereditary. Identifiers: Orphanet 140162, MedGen C0027672, MeSH D009386, MONDO:0015356.

gnomAD v4.1: 7 of 1,614,208 alleles (0.00043%); highest among the groups gnomAD compares: South Asian, 0.0077%; no homozygotes.

Submissions (2):

Color Diagnostics, LLC DBA Color Health
Classification: Uncertain significance for Hereditary cancer-predisposing syndrome. Last evaluated: 2025-07-09. Review status: criteria provided, single submitter. Criteria: ACMG Guidelines, 2015. Collection method: clinical testing. Allele origin: germline.
Comment: This missense variant replaces lysine with glutamine at codon 247 of the MSH6 protein. Computational prediction is inconclusive regarding the impact of this variant on protein structure and function. To our knowledge, functional studies have not been reported for this variant. This variant has not been reported in individuals affected with MSH6-related disorders in the literature. This variant has been identified in 2/251184 chromosomes in the general population by the Genome Aggregation Database (gnomAD). The available evidence is insufficient to determine the role of this variant in disease conclusively. Therefore, this variant is classified as a Variant of Uncertain Significance.

Labcorp Genetics (formerly Invitae), Labcorp
Classification: Likely benign for Hereditary nonpolyposis colorectal neoplasms. Last evaluated: 2024-03-06. Review status: criteria provided, single submitter. Criteria: Invitae Variant Classification Sherloc (09022015). Collection method: clinical testing. Allele origin: germline.

NM_000179.3(MSH6):c.739A>C (p.Lys247Gln)

Gene: MSH6 (mutS homolog 6; plus strand). Cytogenetic location: 2p16.3.
Variant type: single nucleotide variant.
Coding change: c.739A>C on transcript NM_000179.3 (MANE Select); coding-DNA position 739, A replaced by C.
Protein change: p.Lys247Gln; replaces lysine 247 with glutamine.
Molecular consequence: missense variant. On other transcripts: 5 prime UTR variant (9), non-coding transcript variant (4), intron variant (1).
Genome position (GRCh38, 1-based): chr2:47,798,722, A>C. VCF-style: chr2-47798722-A-C. GRCh37 (hg19) VCF-style: chr2-48025861-A-C.
Other names: c.349A>C, p.Lys117Gln (NM_001281492.2); c.-168A>C (NM_001281493.2, NM_001281494.2, NM_001406811.1 and 6 more transcripts); c.835A>C, p.Lys279Gln (NM_001406795.1, NM_001406802.1); c.739A>C, p.Lys247Gln (NM_001406796.1, NM_001406798.1, NM_001406800.1 and 4 more transcripts); c.442A>C, p.Lys148Gln (NM_001406797.1, NM_001406801.1, NM_001406805.1 and 10 more transcripts); c.214A>C, p.Lys72Gln (NM_001406799.1, NM_001406806.1, NM_001406807.1); c.661A>C, p.Lys221Gln (NM_001406804.1); c.745A>C, p.Lys249Gln (NM_001406813.1); and 2 more; short protein forms K191Q, K117Q, K148Q, K221Q, K247Q, K279Q, K249Q, K72Q.
Identifiers: ClinVar variation 3718579 (VCV003718579.3).
Genomic context (GRCh38, chr2:47,798,722, plus strand): 5'-AGTGAAGAGGAAGTACAGCCTAAGACACAAGGATCTAGGCGAAGTAGCCGCCAAATAAAA[A>C]AACGAAGGGTCATATCAGATTCTGAGAGTGACATTGGTGGCTCTGATGTGGAATTTAAGC-3'
Protein context (NP_000170.1, residues 237-257): GSRRSSRQIK[Lys247Gln]RRVISDSESD